The following is an entry in ClinVar:

ClinVar aggregate classification (germline): Uncertain significance. Review status: criteria provided, multiple submitters, no conflicts (2 of 4 stars). 3 submissions from 3 submitters: Uncertain significance (3). Last evaluated 2024-09-27.

Conditions:
Inborn genetic diseases. Identifiers: MedGen C0950123, MeSH D030342.
Anterior segment dysgenesis 3 (ASGD3). Also called: Glaucoma iridogoniodysplasia, familial; IRIDOGONIODYSGENESIS ANOMALY, AUTOSOMAL DOMINANT. Identifiers: Orphanet 91483, MedGen C5975707, MONDO:0024456, OMIM 601631.
Axenfeld-Rieger syndrome type 3 (RIEG3). Also called: AXENFELD-RIEGER ANOMALY WITH CARDIAC DEFECTS AND/OR SENSORINEURAL HEARING LOSS. Identifiers: Orphanet 782, MedGen C2678503, MONDO:0011233, OMIM 602482.

Allele frequency attached by ClinVar (database versions not stated): gnomAD exomes 0.00001; gnomAD 0.00007.

Submissions (3):

Ambry Genetics
Classification: Uncertain significance for Inborn genetic diseases. Last evaluated: 2024-09-27. Review status: criteria provided, single submitter. Criteria: Ambry Variant Classification Scheme 2023. Collection method: clinical testing. Allele origin: germline.

Fulgent Genetics
Classification: Uncertain significance for Anterior segment dysgenesis 3; Axenfeld-Rieger syndrome type 3. Last evaluated: 2022-05-04. Review status: criteria provided, single submitter. Criteria: ACMG Guidelines, 2015. Collection method: clinical testing. Allele origin: unknown.

Breda Genetics srl
Classification: Uncertain significance for Axenfeld-Rieger syndrome type 3. Last evaluated: 2021-04-12. Review status: criteria provided, single submitter. Criteria: ACMG Guidelines, 2015. Collection method: clinical testing. Allele origin: germline. Inheritance: Autosomal dominant inheritance. Affected: yes. Observed: 1 variant allele, 1 heterozygote.
Comment: Based on allele frequency, in-silico prediction scores, and a certain overlap with the clinical phenotype, we interpreted this variant at least as of uncertain significance. The lack of one or more of the following features has discouraged further investigations: lack of a possible second hit in autosomal recessive conditions, presence of healthy controls in databases for autosomal dominant conditions, presence of unmatching cardinal clinical features in the patient or in the known gene-disease association, and/or variant type outside the known gene mutational spectrum.

NM_001453.3(FOXC1):c.1337A>G (p.His446Arg)

Gene: FOXC1 (forkhead box C1; plus strand). Cytogenetic location: 6p25.3.
Variant type: single nucleotide variant.
Coding change: c.1337A>G on transcript NM_001453.3 (MANE Select); coding-DNA position 1337, A replaced by G.
Protein change: p.His446Arg; replaces histidine 446 with arginine.
Molecular consequence: missense variant.
Genome position (GRCh38, 1-based): chr6:1,611,782, A>G. VCF-style: chr6-1611782-A-G. GRCh37 (hg19) VCF-style: chr6-1612017-A-G.
Other names: c.1337A>G (NM_001453.2); short protein forms H446R.
Identifiers: ClinVar variation 1299232 (VCV001299232.3), dbSNP rs1413102496, ClinGen allele CA362560709.